The following is an entry in ClinVar:

NM_032119.4(ADGRV1):c.14731A>G (p.Arg4911Gly)

Gene: ADGRV1 (adhesion G protein-coupled receptor V1; plus strand). Cytogenetic location: 5q14.3.
Variant type: single nucleotide variant.
Coding change: c.14731A>G on transcript NM_032119.4 (MANE Select); coding-DNA position 14731, A replaced by G.
Protein change: p.Arg4911Gly; replaces arginine 4911 with glycine.
Molecular consequence: missense variant. On other transcripts: non-coding transcript variant (1).
Genome position (GRCh38, 1-based): chr5:90,805,353, A>G. VCF-style: chr5-90805353-A-G. GRCh37 (hg19) VCF-style: chr5-90101170-A-G.
Other names: short protein forms R4911G.
Identifiers: ClinVar variation 1494558 (VCV001494558.4), dbSNP rs1478764270, ClinGen allele CA360406216.
Genomic context (GRCh38, chr5:90,805,353, plus strand): 5'-GAATCCACTGCTTTTCAACTCATGAACATCACTGCTGGCACAAGCCACGTTATGATTTCT[A>G]GGAGAGGCACATATGGAGCTCTCTCGGTTGCCTGGACCACTGGATATGCTCCTGGGTTAG-3'
Protein context (NP_115495.3, residues 4901-4921): TAGTSHVMIS[Arg4911Gly]RGTYGALSVA

ClinVar aggregate classification (germline): Conflicting classifications of pathogenicity. Review status: criteria provided, conflicting classifications (1 of 4 stars). 2 submissions from 2 submitters: Likely pathogenic (1); Uncertain significance (1). Last evaluated 2022-02-10.

Conditions:
ADGRV1-related disorder. Also called: ADGRV1-related disorders; ADGRV1-related condition.

Allele frequency attached by ClinVar (database versions not stated): gnomAD exomes below 0.00001; gnomAD 0.00001; TOPMed 0.00001.
gnomAD v4.1: 8 of 1,612,740 alleles (0.0005%); highest among the groups gnomAD compares: Non-Finnish European, 0.00034%; no homozygotes.

Submissions (2):

Labcorp Genetics (formerly Invitae), Labcorp
Classification: Uncertain significance. Last evaluated: 2022-02-10. Review status: criteria provided, single submitter. Criteria: Invitae Variant Classification Sherloc (09022015). Collection method: clinical testing. Allele origin: germline.
Comment: This sequence change replaces arginine, which is basic and polar, with glycine, which is neutral and non-polar, at codon 4911 of the ADGRV1 protein (p.Arg4911Gly). This variant is present in population databases (no rsID available, gnomAD 0.002%). This missense change has been observed in individual(s) with ADGRV1-related conditions (PMID: 31047384). Algorithms developed to predict the effect of missense changes on protein structure and function are either unavailable or do not agree on the potential impact of this missense change (SIFT: "Deleterious"; PolyPhen-2: "Possibly Damaging"; Align-GVGD: "Class C0"). In summary, the available evidence is currently insufficient to determine the role of this variant in disease. Therefore, it has been classified as a Variant of Uncertain Significance.

Blueprint Genetics
Classification: Likely pathogenic for ADGRV1-related disorders. Last evaluated: 2017-05-16. Review status: criteria provided, single submitter. Criteria: ACMG Guidelines, 2015. Collection method: clinical testing. Allele origin: germline. Affected: yes. Observed: 1 variant allele.

Literature cited by the submitters: PubMed 31047384 (cited by Labcorp Genetics (formerly Invitae), Labcorp).